The following is an entry in ClinVar:

ClinVar aggregate classification (germline): Uncertain significance (1 of 4 stars; one submission).

Conditions:
Bifunctional peroxisomal enzyme deficiency (DBIF). Also called: PBFE DEFICIENCY; D-bifunctional protein deficiency; DBP DEFICIENCY. Identifiers: Orphanet 300, MedGen C0342870, MONDO:0009855, OMIM 261515. Disease mechanism: loss of function.
Perrault syndrome. Also called: Gonadal dysgenesis with auditory dysfunction, autosomal recessive inheritance. Identifiers: Orphanet 2855, MedGen C0685838, MONDO:0017312.

Submission:

Labcorp Genetics (formerly Invitae), Labcorp
Classification: Uncertain significance for Perrault syndrome; Bifunctional peroxisomal enzyme deficiency. Last evaluated: 2022-06-25. Review status: criteria provided, single submitter. Criteria: Invitae Variant Classification Sherloc (09022015). Collection method: clinical testing. Allele origin: germline.
Comment: This sequence change replaces histidine, which is basic and polar, with aspartic acid, which is acidic and polar, at codon 456 of the HSD17B4 protein (p.His456Asp). In summary, the available evidence is currently insufficient to determine the role of this variant in disease. Therefore, it has been classified as a Variant of Uncertain Significance. Advanced modeling of protein sequence and biophysical properties (such as structural, functional, and spatial information, amino acid conservation, physicochemical variation, residue mobility, and thermodynamic stability) performed at Invitae indicates that this missense variant is not expected to disrupt HSD17B4 protein function. This variant has not been reported in the literature in individuals affected with HSD17B4-related conditions. This variant is not present in population databases (gnomAD no frequency).

NM_000414.4(HSD17B4):c.1366C>G (p.His456Asp)

Gene: HSD17B4 (hydroxysteroid 17-beta dehydrogenase 4; plus strand). Cytogenetic location: 5q23.1.
Variant type: single nucleotide variant.
Coding change: c.1366C>G on transcript NM_000414.4 (MANE Select); coding-DNA position 1366, C replaced by G.
Protein change: p.His456Asp; replaces histidine 456 with aspartic acid.
Molecular consequence: missense variant. On other transcripts: non-coding transcript variant (2).
Genome position (GRCh38, 1-based): chr5:119,509,173, C>G. VCF-style: chr5-119509173-C-G. GRCh37 (hg19) VCF-style: chr5-118844868-C-G.
Other names: c.1441C>G, p.His481Asp (NM_001199291.3); c.1312C>G, p.His438Asp (NM_001199292.2); c.1294C>G, p.His432Asp (NM_001292027.2, NM_001374498.1); c.946C>G, p.His316Asp (NM_001292028.2); c.1357C>G, p.His453Asp (NM_001374497.1); c.1039C>G, p.His347Asp (NM_001374499.1); c.925C>G, p.His309Asp (NM_001374500.1); c.955C>G, p.His319Asp (NM_001374501.1, NM_001374502.1, NM_001374503.1); short protein forms H347D, H456D, H453D, H309D, H319D, H438D, H432D, H481D.
Identifiers: ClinVar variation 2130244 (VCV002130244.2), dbSNP rs2531804586, ClinGen allele CA360868728.